The following is an entry in ClinVar:

ClinVar aggregate classification (germline): Uncertain significance (1 of 4 stars; one submission).

Allele frequency attached by ClinVar (database versions not stated): gnomAD 0.00002; TOPMed 0.00002; gnomAD exomes 0.00003.
gnomAD v4.1: 53 of 1,613,816 alleles (0.0033%); highest among the groups gnomAD compares: South Asian, 0.014%; no homozygotes.

Submission:

CeGaT Center for Human Genetics Tuebingen
Classification: Uncertain significance. Last evaluated: 2022-08-01. Review status: criteria provided, single submitter. Criteria: CeGaT Center For Human Genetics Tuebingen Variant Classification Criteria Version 2. Collection method: clinical testing. Allele origin: germline. Affected: yes. Observed: 1 variant allele.
Comment: TENM4: PP3

NM_001098816.3(TENM4):c.6731G>A (p.Arg2244His)

Gene: TENM4 (teneurin transmembrane protein 4; minus strand). Cytogenetic location: 11q14.1.
Variant type: single nucleotide variant.
Coding change: c.6731G>A on transcript NM_001098816.3 (MANE Select); coding-DNA position 6731, G replaced by A.
Protein change: p.Arg2244His; replaces arginine 2244 with histidine.
Molecular consequence: missense variant.
Genome position (GRCh38, 1-based): chr11:78,669,614, C>T on the plus strand (G>A on the coding strand, the complement: TENM4 is on the minus strand). VCF-style: chr11-78669614-C-T. GRCh37 (hg19) VCF-style: chr11-78380659-C-T.
Other names: short protein forms R2244H.
Identifiers: ClinVar variation 2642210 (VCV002642210.24), dbSNP rs1193250974, ClinGen allele CA382130927.